The following is an entry in ClinVar:

ClinVar aggregate classification (germline): Pathogenic. Review status: criteria provided, single submitter (1 of 4 stars). 2 submissions from 1 submitter: Pathogenic (2). Last evaluated 2022-10-09.

Conditions:
Developmental and epileptic encephalopathy. Identifiers: MedGen C5779964, MONDO:0100620.
Dyskeratosis congenita, autosomal recessive 5 (DKCB5). Identifiers: MedGen C3554656, MONDO:0014076, OMIM 615190.
Pulmonary fibrosis and/or bone marrow failure, Telomere-related, 3. Also called: PULMONARY FIBROSIS AND/OR BONE MARROW FAILURE SYNDROME, TELOMERE-RELATED, 3. Identifiers: Orphanet 2032, MedGen C4225346, MONDO:0014613, OMIM 616373.

Submissions (2):

Labcorp Genetics (formerly Invitae), Labcorp
Classification: Pathogenic for Early-infantile DEE. Last evaluated: 2022-10-09. Review status: criteria provided, single submitter. Criteria: Invitae Variant Classification Sherloc (09022015). Collection method: clinical testing. Allele origin: germline.
Comment: This variant is a gross deletion of the genomic region encompassing exon(s) 1-4 of the KCNQ2 gene, which includes the initiator codon. This deletion extends beyond the assayed region for this gene and therefore may encompass additional genes. It is expected to result in an absent or disrupted protein product. Loss-of-function variants in KCNQ2 are known to be pathogenic (PMID: 14534157, 23692823, 27779742). A similar copy number variant has been observed in individual(s) with benign familial neonatal seizures (PMID: 19822871). For these reasons, this variant has been classified as Pathogenic.

Labcorp Genetics (formerly Invitae), Labcorp
Classification: Pathogenic for Dyskeratosis congenita, autosomal recessive 5; Pulmonary fibrosis and/or bone marrow failure, Telomere-related, 3. Last evaluated: 2022-06-13. Review status: criteria provided, single submitter. Criteria: Invitae Variant Classification Sherloc (09022015). Collection method: clinical testing. Allele origin: germline.
Comment: This variant is a gross deletion of the genomic region encompassing exon(s) 1-30 of the RTEL1 gene, which includes the initiator codon. This deletion extends beyond the assayed region for this gene and therefore may encompass additional genes. It is expected to result in an absent or disrupted protein product. Loss-of-function variants in RTEL1 are known to be pathogenic (PMID: 23453664, 23959892, 25607374). This variant has not been reported in the literature in individuals affected with RTEL1-related conditions. For these reasons, this variant has been classified as Pathogenic.

Literature cited by the submitters: PubMed 14534157; PubMed 23692823; PubMed 27779742; PubMed 19822871; PubMed 23453664; PubMed 23959892; PubMed 25607374.

NC_000020.10:g.(?_62075992)_(62324656_?)del

Genes: EEF1A2 (eukaryotic translation elongation factor 1 alpha 2; minus strand), FNDC11 (fibronectin type III domain containing 11; plus strand), GMEB2 (glucocorticoid modulatory element binding protein 2; minus strand), HELZ2 (helicase with zinc finger 2; minus strand), KCNQ2 (potassium voltage-gated channel subfamily Q member 2; minus strand) and 5 more. Cytogenetic location: 20q13.33.
Variant type: Deletion.
Identifiers: ClinVar variation 2424102 (VCV002424102.7).